The following is an entry in ClinVar:

ClinVar aggregate classification (germline): Pathogenic (1 of 4 stars; one submission).

Submission:

Labcorp Genetics (formerly Invitae), Labcorp
Classification: Pathogenic. Last evaluated: 2024-01-04. Review status: criteria provided, single submitter. Criteria: Invitae Variant Classification Sherloc (09022015). Collection method: clinical testing. Allele origin: germline.
Comment: This sequence change creates a premature translational stop signal (p.Asp74*) in the RASGRP1 gene. It is expected to result in an absent or disrupted protein product. Loss-of-function variants in RASGRP1 are known to be pathogenic (PMID: 11017103, 27776107, 28822832). This variant is not present in population databases (gnomAD no frequency). This variant has not been reported in the literature in individuals affected with RASGRP1-related conditions. For these reasons, this variant has been classified as Pathogenic.

Literature cited by the submitters: PubMed 11017103; PubMed 27776107; PubMed 28822832.

NM_005739.4(RASGRP1):c.219dup (p.Asp74Ter)

Gene: RASGRP1 (RAS guanyl releasing protein 1; minus strand). Cytogenetic location: 15q14.
Variant type: Duplication.
Coding change: c.219dup on transcript NM_005739.4 (MANE Select); coding-DNA position 219, one base duplicated (T; older notation c.219dupT).
Protein change: p.Asp74Ter; replaces aspartic acid 74 with a stop codon.
Molecular consequence: nonsense.
Genome position (GRCh38, 1-based): chr15:38,559,822, A duplicated on the plus strand (T on the coding strand, the reverse complement: RASGRP1 is on the minus strand); the first of 4 consecutive A bases (chr15:38,559,822-38,559,825); duplicating any one gives the same sequence. VCF-style (leftmost placement, unchanged base first): chr15-38559821-C-CA. GRCh37 (hg19) VCF-style: chr15-38852022-C-CA.
Other names: c.219dup, p.Asp74Ter (NM_001128602.2, NM_001306086.2); short protein forms D74*.
Identifiers: ClinVar variation 2707362 (VCV002707362.3), dbSNP rs1893731693, ClinGen allele CA2697554342.